The following is an entry in ClinVar:

ClinVar aggregate classification (germline): Uncertain significance. Review status: criteria provided, multiple submitters, no conflicts (2 of 4 stars). 2 submissions from 2 submitters: Uncertain significance (2). Last evaluated 2023-06-09.

Conditions:
X-linked intellectual disability Cabezas type (MRXSC). Also called: Intellectual developmental disorder, X-linked syndromic, Cabezas type; CABEZAS SYNDROME; MENTAL RETARDATION, X-LINKED, SYNDROMIC 15. Identifiers: Orphanet 85289, Orphanet 85293, MedGen C1845861, MONDO:0010306, OMIM 300354.

Submissions (2):

Labcorp Genetics (formerly Invitae), Labcorp
Classification: Uncertain significance for X-linked intellectual disability Cabezas type. Last evaluated: 2023-06-09. Review status: criteria provided, single submitter. Criteria: Invitae Variant Classification Sherloc (09022015). Collection method: clinical testing. Allele origin: germline.
Comment: In summary, the available evidence is currently insufficient to determine the role of this variant in disease. Therefore, it has been classified as a Variant of Uncertain Significance. An algorithm developed to predict the effect of missense changes on protein structure and function (PolyPhen-2) suggests that this variant is likely to be disruptive. This variant has not been reported in the literature in individuals affected with CUL4B-related conditions. This variant is not present in population databases (gnomAD no frequency). This sequence change replaces phenylalanine, which is neutral and non-polar, with leucine, which is neutral and non-polar, at codon 121 of the CUL4B protein (p.Phe121Leu).

Blueprint Genetics
Classification: Uncertain significance. Last evaluated: 2021-09-19. Review status: criteria provided, single submitter. Criteria: ACMG Guidelines, 2015. Collection method: clinical testing. Allele origin: germline.

NM_001079872.2(CUL4B):c.307T>C (p.Phe103Leu)

Genes: CUL4B (cullin 4B; minus strand), LOC113845788 (Sharpr-MPRA regulatory region 11856; plus strand). Cytogenetic location: Xq24.
Variant type: single nucleotide variant.
Coding change: c.307T>C on transcript NM_001079872.2 (MANE Select); coding-DNA position 307, T replaced by C.
Protein change: p.Phe103Leu; replaces phenylalanine 103 with leucine.
Molecular consequence: missense variant.
Genome position (GRCh38, 1-based): chrX:120,560,332, A>G on the plus strand (T>C on the coding strand, the complement: CUL4B is on the minus strand). VCF-style: chrX-120560332-A-G. GRCh37 (hg19) VCF-style: chrX-119694187-A-G.
Other names: c.322T>C, p.Phe108Leu (NM_001330624.2); c.361T>C, p.Phe121Leu (NM_003588.4); short protein forms F108L, F121L, F103L.
Identifiers: ClinVar variation 2723754 (VCV002723754.4), dbSNP rs2521199047, ClinGen allele CA414205529.